The following is an entry in ClinVar:

NM_001130823.3(DNMT1):c.1393C>G (p.Leu465Val)

Gene: DNMT1 (DNA methyltransferase 1; minus strand). Cytogenetic location: 19p13.2.
Variant type: single nucleotide variant.
Coding change: c.1393C>G on transcript NM_001130823.3 (MANE Select); coding-DNA position 1393, C replaced by G.
Protein change: p.Leu465Val; replaces leucine 465 with valine.
Molecular consequence: missense variant.
Genome position (GRCh38, 1-based): chr19:10,156,397, G>C on the plus strand (C>G on the coding strand, the complement: DNMT1 is on the minus strand). VCF-style: chr19-10156397-G-C. GRCh37 (hg19) VCF-style: chr19-10267073-G-C.
Other names: c.1393C>G (LRG_362t1); c.1345C>G, p.Leu449Val (NM_001318730.2, NM_001379.4); c.1030C>G, p.Leu344Val (NM_001318731.2); short protein forms L465V, L449V, L344V.
Identifiers: ClinVar variation 577611 (VCV000577611.8), dbSNP rs979325432, ClinGen allele CA305172863.
Genomic context (GRCh38, chr19:10,156,397, plus strand): 5'-CTGCCTGGCTGTTTTTAAAGTGTGCCCCAAACATAATCCCGGACTATTCCTTACCTTCAA[G>C]AGATGGGTCATCATCATAGATTGGTTTTGCTGAACCAGAAAAGAAGAGTTCGATATTCTT-3'
Protein context (NP_001124295.1, residues 455-475): AKPIYDDDPS[Leu465Val]EGGVNGKNLG

ClinVar aggregate classification (germline): Uncertain significance (1 of 4 stars; one submission).

Conditions:
Hereditary sensory neuropathy-deafness-dementia syndrome. Also called: Hereditary sensory neuropathy type IE; NEUROPATHY, HEREDITARY SENSORY, WITH HEARING LOSS AND DEMENTIA; HSN IE; Hereditary Sensory and Autonomic Neuropathy Type 1E (HSAN1E). Identifiers: Orphanet 456318, MedGen C3279885, MONDO:0013584, OMIM 614116.

Allele frequency attached by ClinVar (database versions not stated): gnomAD exomes below 0.00001.
gnomAD v4.1: 5 of 1,608,756 alleles (0.00031%); highest among the groups gnomAD compares: Non-Finnish European, 0.00043%; no homozygotes.

Submission:

Labcorp Genetics (formerly Invitae), Labcorp
Classification: Uncertain significance for Hereditary sensory neuropathy-deafness-dementia syndrome. Last evaluated: 2022-01-15. Review status: criteria provided, single submitter. Criteria: Invitae Variant Classification Sherloc (09022015). Collection method: clinical testing. Allele origin: germline.
Comment: Algorithms developed to predict the effect of missense changes on protein structure and function output the following: SIFT: "Tolerated"; PolyPhen-2: "Benign"; Align-GVGD: "Class C0". The valine amino acid residue is found in multiple mammalian species, which suggests that this missense change does not adversely affect protein function. This sequence change replaces leucine, which is neutral and non-polar, with valine, which is neutral and non-polar, at codon 465 of the DNMT1 protein (p.Leu465Val). This variant is not present in population databases (gnomAD no frequency). This variant has not been reported in the literature in individuals affected with DNMT1-related conditions. ClinVar contains an entry for this variant (Variation ID: 577611). In summary, the available evidence is currently insufficient to determine the role of this variant in disease. Therefore, it has been classified as a Variant of Uncertain Significance.